The following is an entry in ClinVar:

ClinVar aggregate classification (germline): Uncertain significance (1 of 4 stars; one submission).

gnomAD v4.1: 15 of 1,612,432 alleles (0.00093%); highest among the groups gnomAD compares: South Asian, 0.0011%; no homozygotes.

Submission:

Mayo Clinic Laboratories, Mayo Clinic
Classification: Uncertain significance. Last evaluated: 2025-09-11. Review status: criteria provided, single submitter. Criteria: ACMG Guidelines, 2015. Collection method: clinical testing. Allele origin: germline. Observed: 1 variant allele.
Comment: BP4_moderate

NM_001364905.1(LRBA):c.1537A>G (p.Ile513Val)

Gene: LRBA (LPS responsive beige-like anchor protein; minus strand). Cytogenetic location: 4q31.3.
Variant type: single nucleotide variant.
Coding change: c.1537A>G on transcript NM_001364905.1 (MANE Select); coding-DNA position 1537, A replaced by G.
Protein change: p.Ile513Val; replaces isoleucine 513 with valine.
Molecular consequence: missense variant.
Genome position (GRCh38, 1-based): chr4:150,906,362, T>C on the plus strand (A>G on the coding strand, the complement: LRBA is on the minus strand). VCF-style: chr4-150906362-T-C. GRCh37 (hg19) VCF-style: chr4-151827514-T-C.
Other names: p.Ile513Val; c.1537A>G, p.Ile513Val (NM_001440431.1, NM_006726.5, NM_001199282.3 and 2 more transcripts); short protein forms I513V.
Identifiers: ClinVar variation 4541005 (VCV004541005.1).